The following is an entry in ClinVar:

NM_000426.4(LAMA2):c.5726+1G>A

Gene: LAMA2 (laminin subunit alpha 2; plus strand). Cytogenetic location: 6q22.33.
Variant type: single nucleotide variant.
Coding change: c.5726+1G>A on transcript NM_000426.4 (MANE Select); the canonical splice donor site of the intron after coding-DNA position 5726, G replaced by A.
Molecular consequence: splice donor variant.
Genome position (GRCh38, 1-based): chr6:129,402,488, G>A. VCF-style: chr6-129402488-G-A. GRCh37 (hg19) VCF-style: chr6-129723633-G-A.
Other names: c.5726+1G>A (NM_001079823.2).
Identifiers: ClinVar variation 3902358 (VCV003902358.1).
Genomic context (GRCh38, chr6:129,402,488, plus strand): 5'-GGTGTCCCAGGCTGAGAGCCACGCAGCTCAGTTGAATGACTCATCTGCTGTCCTTGATGG[G>A]TATGTCATTTGTTTTTGGAAATGTTTGTGTATTTTGATGCTTGTCCAAAGGTTTTGACTA-3'

ClinVar aggregate classification (germline): Likely pathogenic (1 of 4 stars; one submission).

Conditions:
Merosin deficient congenital muscular dystrophy (MDC1A). Also called: Congenital Muscular Dystrophy Type 1A (MDC1A); Congenital merosin-deficient muscular dystrophy 1A. Identifiers: Orphanet 258, MedGen C1263858, MONDO:0011925, OMIM 607855.

gnomAD v4.1: 2 of 1,613,826 alleles (0.00012%); highest among the groups gnomAD compares: African/African-American, 0.0013%; no homozygotes.

Submission:

Women's Health and Genetics/Laboratory Corporation of America, LabCorp
Classification: Likely pathogenic for Merosin deficient congenital muscular dystrophy. Last evaluated: 2025-05-09. Review status: criteria provided, single submitter. Criteria: LabCorp Variant Classification Summary - May 2015. Collection method: clinical testing. Allele origin: germline.
Comment: Variant summary: LAMA2 c.5726+1G>A is located in a canonical splice-site and is predicted to affect mRNA splicing resulting in a significantly altered protein due to either exon skipping, shortening, or inclusion of intronic material. Variants that disrupt the consensus splice site are a relatively common cause of aberrant splicing and loss of LAMA2 function. Several computational tools predict a significant impact on normal splicing: Four predict the variant abolishes a 5' splicing donor site. However, these predictions have yet to be confirmed by functional studies. The variant allele was found at a frequency of 1.2e-06 in 1606830 control chromosomes in the gnomAD database (v4.1 dataset). To our knowledge, no occurrence of c.5726+1G>A in individuals affected with Merosin deficient congenital muscular dystrophy and no experimental evidence demonstrating its impact on protein function have been reported. No submitters have cited clinical-significance assessments for this variant to ClinVar. Based on the evidence outlined above, the variant was classified as likely pathogenic.